The following is an entry in ClinVar:

ClinVar aggregate classification (germline): Uncertain significance (0 of 4 stars; one submission).

Conditions:
GJA3-related disorder. Also called: GJA3-related condition.

Allele frequency attached by ClinVar (database versions not stated): TOPMed below 0.00001.
gnomAD v4.1: 1 of 1,584,700 alleles (0.000063%); no homozygotes.

Submission:

PreventionGenetics, part of Exact Sciences
Classification: Uncertain significance for GJA3-related condition. Last evaluated: 2023-12-14. Review status: no assertion criteria provided. Collection method: clinical testing. Allele origin: germline.
Comment: The GJA3 c.376C>G variant is predicted to result in the amino acid substitution p.Pro126Ala. To our knowledge, this variant has not been reported in the literature or in a large population database, indicating this variant is rare. At this time, the clinical significance of this variant is uncertain due to the absence of conclusive functional and genetic evidence.

NM_021954.4(GJA3):c.376C>G (p.Pro126Ala)

Gene: GJA3 (gap junction protein alpha 3; minus strand). Cytogenetic location: 13q12.11.
Variant type: single nucleotide variant.
Coding change: c.376C>G on transcript NM_021954.4 (MANE Select); coding-DNA position 376, C replaced by G.
Protein change: p.Pro126Ala; replaces proline 126 with alanine.
Molecular consequence: missense variant.
Genome position (GRCh38, 1-based): chr13:20,142,913, G>C on the plus strand (C>G on the coding strand, the complement: GJA3 is on the minus strand). VCF-style: chr13-20142913-G-C. GRCh37 (hg19) VCF-style: chr13-20717052-G-C.
Other names: short protein forms P126A.
Identifiers: ClinVar variation 3043648 (VCV003043648.2), dbSNP rs1958820450, ClinGen allele CA387464949.